The following is an entry in ClinVar:

NM_001330078.2(NRXN1):c.805A>G (p.Met269Val)

Gene: NRXN1 (neurexin 1; minus strand). Cytogenetic location: 2p16.3.
Variant type: single nucleotide variant.
Coding change: c.805A>G on transcript NM_001330078.2 (MANE Select); coding-DNA position 805, A replaced by G.
Protein change: p.Met269Val; replaces methionine 269 with valine.
Molecular consequence: missense variant. On other transcripts: intron variant (4).
Genome position (GRCh38, 1-based): chr2:50,922,673, T>C on the plus strand (A>G on the coding strand, the complement: NRXN1 is on the minus strand). VCF-style: chr2-50922673-T-C. GRCh37 (hg19) VCF-style: chr2-51149811-T-C.
Other names: c.904A>G, p.Met302Val (NM_001135659.3); c.805A>G, p.Met269Val (NM_001330077.2, NM_001330081.2, NM_001330082.2 and 6 more transcripts); c.802A>G, p.Met268Val (NM_001330079.2, NM_001330093.2); c.787A>G, p.Met263Val (NM_001330088.2, NM_001330089.2); c.772+104829A>G (NM_001330096.2, NM_001330087.2, NM_001330083.2 and 1 more transcripts); short protein forms M268V, M269V, M263V, M302V.
Identifiers: ClinVar variation 952521 (VCV000952521.9), dbSNP rs776779952, ClinGen allele CA346822854.

ClinVar aggregate classification (germline): Uncertain significance (1 of 4 stars; one submission).

Conditions:
Pitt-Hopkins-like syndrome 2 (PTHSL2). Identifiers: Orphanet 221150, Orphanet 600663, MedGen C3280479, MONDO:0013690, OMIM 614325.

gnomAD v4.1: 14 of 1,610,478 alleles (0.00087%); highest among the groups gnomAD compares: Non-Finnish European, 0.0011%; no homozygotes.

Submission:

Labcorp Genetics (formerly Invitae), Labcorp
Classification: Uncertain significance for Pitt-Hopkins-like syndrome 2. Last evaluated: 2019-05-05. Review status: criteria provided, single submitter. Criteria: Invitae Variant Classification Sherloc (09022015). Collection method: clinical testing. Allele origin: germline.
Comment: In summary, the available evidence is currently insufficient to determine the role of this variant in disease. Therefore, it has been classified as a Variant of Uncertain Significance. Algorithms developed to predict the effect of sequence changes on RNA splicing suggest that this variant may create or strengthen a splice site, but this prediction has not been confirmed by published transcriptional studies. Algorithms developed to predict the effect of missense changes on protein structure and function are either unavailable or do not agree on the potential impact of this missense change (SIFT: "Deleterious"; PolyPhen-2: "Benign"; Align-GVGD: "Class C0"). This variant has not been reported in the literature in individuals with NRXN1-related conditions. This variant is not present in population databases (ExAC no frequency). This sequence change replaces methionine with valine at codon 302 of the NRXN1 protein (p.Met302Val). The methionine residue is highly conserved and there is a small physicochemical difference between methionine and valine.